The following is an entry in ClinVar:

ClinVar aggregate classification (germline): Likely benign (0 of 4 stars; one submission).

Conditions:
MITF-related disorder. Also called: MITF-related condition.

Allele frequency attached by ClinVar (database versions not stated): gnomAD 0.00001.
gnomAD v4.1: 6 of 1,614,142 alleles (0.00037%); highest among the groups gnomAD compares: East Asian, 0.0022%; no homozygotes.

Submission:

PreventionGenetics, part of Exact Sciences
Classification: Likely benign for MITF-related condition. Last evaluated: 2023-06-06. Review status: no assertion criteria provided. Collection method: clinical testing. Allele origin: germline.
Comment: This variant is classified as likely benign based on ACMG/AMP sequence variant interpretation guidelines (Richards et al. 2015 PMID: 25741868, with internal and published modifications).

NM_001354604.2(MITF):c.111C>T (p.Ser37=)

Gene: MITF (melanocyte inducing transcription factor; plus strand). Cytogenetic location: 3p13.
Variant type: single nucleotide variant.
Coding change: c.111C>T on transcript NM_001354604.2 (MANE Select); coding-DNA position 111, C replaced by T.
Protein change: p.Ser37=; no amino-acid change (serine 37 retained).
Molecular consequence: synonymous variant. On other transcripts: 5 prime UTR variant (2).
Genome position (GRCh38, 1-based): chr3:69,879,140, C>T. VCF-style: chr3-69879140-C-T. GRCh37 (hg19) VCF-style: chr3-69928291-C-T.
Other names: c.-46C>T (NM_001184967.2, NM_001354608.2); c.108C>T, p.Ser36= (NM_001354605.2, NM_001354606.2, NM_006722.3); c.60C>T, p.Ser20= (NM_001354607.2); c.111C>T, p.Ser37= (NM_198159.3); c.63C>T, p.Ser21= (NM_198177.3).
Identifiers: ClinVar variation 3055283 (VCV003055283.2), dbSNP rs1405659848, ClinGen allele CA434305631.